The following is an entry in ClinVar:

NM_000944.5(PPP3CA):c.757G>A (p.Val253Ile)

Gene: PPP3CA (protein phosphatase 3 catalytic subunit alpha; minus strand). Cytogenetic location: 4q24.
Variant type: single nucleotide variant.
Coding change: c.757G>A on transcript NM_000944.5 (MANE Select); coding-DNA position 757, G replaced by A.
Protein change: p.Val253Ile; replaces valine 253 with isoleucine.
Molecular consequence: missense variant.
Genome position (GRCh38, 1-based): chr4:101,093,801, C>T on the plus strand (G>A on the coding strand, the complement: PPP3CA is on the minus strand). VCF-style: chr4-101093801-C-T. GRCh37 (hg19) VCF-style: chr4-102014958-C-T.
Other names: c.757G>A, p.Val253Ile (NM_001130691.2, NM_001130692.2); short protein forms V253I.
Identifiers: ClinVar variation 2430545 (VCV002430545.6), dbSNP rs1450390683, ClinGen allele CA357949129.
Genomic context (GRCh38, chr4:101,093,801, plus strand): 5'-AAACGTGTTCCAGAGAGCAAGTTCTCTATTCTTACCTGTAGAAGTATGAACACCCCCTGA[C>T]TGTGTTGTGAGTGAAATGTTCCTGAGTCTTCTCATTTCCAAAATCTTCCAGGGGGTCTGA-3'
Protein context (NP_000935.1, residues 243-263): KTQEHFTHNT[Val253Ile]RGCSYFYSYP

ClinVar aggregate classification (germline): Uncertain significance. Review status: criteria provided, multiple submitters, no conflicts (2 of 4 stars). 3 submissions from 3 submitters: Uncertain significance (3). Last evaluated 2023-09-10.

Conditions:
Inborn genetic diseases. Identifiers: MedGen C0950123, MeSH D030342.

Allele frequency attached by ClinVar (database versions not stated): gnomAD 0.00001; TOPMed 0.00001.
gnomAD v4.1: 1 of 1,612,714 alleles (0.000062%); highest among the groups gnomAD compares: East Asian, 0.0022%; no homozygotes.

Submissions (3):

Labcorp Genetics (formerly Invitae), Labcorp
Classification: Uncertain significance. Last evaluated: 2023-09-10. Review status: criteria provided, single submitter. Criteria: Invitae Variant Classification Sherloc (09022015). Collection method: clinical testing. Allele origin: germline.
Comment: This sequence change replaces valine, which is neutral and non-polar, with isoleucine, which is neutral and non-polar, at codon 253 of the PPP3CA protein (p.Val253Ile). This variant is not present in population databases (gnomAD no frequency). This variant has not been reported in the literature in individuals affected with PPP3CA-related conditions. ClinVar contains an entry for this variant (Variation ID: 2430545). Advanced modeling of protein sequence and biophysical properties (such as structural, functional, and spatial information, amino acid conservation, physicochemical variation, residue mobility, and thermodynamic stability) performed at Invitae indicates that this missense variant is not expected to disrupt PPP3CA protein function. In summary, the available evidence is currently insufficient to determine the role of this variant in disease. Therefore, it has been classified as a Variant of Uncertain Significance.

Ambry Genetics
Classification: Uncertain significance for Inborn genetic diseases. Last evaluated: 2023-06-07. Review status: criteria provided, single submitter. Criteria: Ambry Variant Classification Scheme 2023. Collection method: clinical testing. Allele origin: germline.

GeneDx
Classification: Uncertain significance. Last evaluated: 2022-08-24. Review status: criteria provided, single submitter. Criteria: GeneDx Variant Classification Process June 2021. Collection method: clinical testing. Allele origin: germline. Affected: yes.
Comment: Not observed at significant frequency in large population cohorts (gnomAD); In silico analysis supports that this missense variant does not alter protein structure/function; Has not been previously published as pathogenic or benign to our knowledge